The following is an entry in ClinVar:

Conditions:
Breast-ovarian cancer, familial, susceptibility to, 1 (BROVCA1). Also called: BRCA1 Hereditary Breast and Ovarian Cancer; OVARIAN CANCER, SUSCEPTIBILITY TO. Identifiers: Orphanet 145, MedGen C2676676, MONDO:0011450, OMIM 604370. Disease mechanism: loss of function.

Submission:

Brotman Baty Institute, University of Washington
No classification provided (evidence only). Condition: Breast-ovarian cancer, familial 1. Review status: no classification provided. Collection method: in vitro. Allele origin: not applicable. Functional consequence: functionally_abnormal.
ClinVar note: "not provided" was previously submitted as the classification for the variant. However, the classification appeared to be based only on an observation of functional data so it was converted to no classification on 2025-07-30.

NM_007294.4(BRCA1):c.213-6T>C

Gene: BRCA1 (BRCA1 DNA repair associated; minus strand). Cytogenetic location: 17q21.31.
Variant type: single nucleotide variant.
Coding change: c.213-6T>C on transcript NM_007294.4 (MANE Select); 6 bases into the intron before coding-DNA position 213, T replaced by C.
Molecular consequence: intron variant.
Genome position (GRCh38, 1-based): chr17:43,104,962, A>G on the plus strand (T>C on the coding strand, the complement: BRCA1 is on the minus strand). VCF-style: chr17-43104962-A-G. GRCh37 (hg19) VCF-style: chr17-41256979-A-G.
Other names: c.72-6T>C (NM_001408458.1, NM_001407931.1, NM_001407747.1 and 99 more transcripts); c.-218-10102T>C (NM_001407967.1, NM_001407966.1); c.-169-6T>C (NM_001407959.1, NM_001407962.1, NM_001408512.1 and 4 more transcripts); c.3-6T>C (NM_001407885.1, NM_001407886.1, NM_001407898.1 and 58 more transcripts); c.213-6T>C (NM_001407686.1, NM_001408397.1, NM_001407632.1 and 167 more transcripts); c.81-6T>C (NM_001408451.1); c.135-6T>C (NM_001408475.1, NM_001407875.1, NM_001407659.1 and 21 more transcripts).
Identifiers: ClinVar variation 865281 (VCV000865281.3), dbSNP rs2054700006, ClinGen allele CA916080852.